The following is an entry in ClinVar:

NM_032387.5(WNK4):c.376G>A (p.Glu126Lys)

Gene: WNK4 (WNK lysine deficient protein kinase 4; plus strand). Cytogenetic location: 17q21.2.
Variant type: single nucleotide variant.
Coding change: c.376G>A on transcript NM_032387.5 (MANE Select); coding-DNA position 376, G replaced by A.
Protein change: p.Glu126Lys; replaces glutamic acid 126 with lysine.
Molecular consequence: missense variant. On other transcripts: 5 prime UTR variant (1).
Genome position (GRCh38, 1-based): chr17:42,781,074, G>A. VCF-style: chr17-42781074-G-A. GRCh37 (hg19) VCF-style: chr17-40933092-G-A.
Other names: c.-544G>A (NM_001321299.2); short protein forms E126K.
Identifiers: ClinVar variation 4770371 (VCV004770371.1).

ClinVar aggregate classification (germline): Uncertain significance (1 of 4 stars; one submission).

Submission:

Labcorp Genetics (formerly Invitae), Labcorp
Classification: Uncertain significance. Last evaluated: 2025-07-30. Review status: criteria provided, single submitter. Criteria: Invitae Variant Classification Sherloc (09022015). Collection method: clinical testing. Allele origin: germline.
Comment: This sequence change replaces glutamic acid, which is acidic and polar, with lysine, which is basic and polar, at codon 126 of the WNK4 protein (p.Glu126Lys). This variant is present in population databases (rs768265638, gnomAD 0.02%). This variant has not been reported in the literature in individuals affected with WNK4-related conditions. Invitae Evidence Modeling of protein sequence and biophysical properties (such as structural, functional, and spatial information, amino acid conservation, physicochemical variation, residue mobility, and thermodynamic stability) indicates that this missense variant is not expected to disrupt WNK4 protein function with a negative predictive value of 95%. In summary, the available evidence is currently insufficient to determine the role of this variant in disease. Therefore, it has been classified as a Variant of Uncertain Significance.